The following is an entry in ClinVar:

ClinVar aggregate classification (germline): Uncertain significance. Review status: criteria provided, multiple submitters, no conflicts (2 of 4 stars). 2 submissions from 2 submitters: Uncertain significance (2). Last evaluated 2026-07-06.

Conditions:
Gorlin syndrome. Also called: Nevoid Basal Cell Carcinoma Syndrome; Basal cell nevus syndrome. Identifiers: Orphanet 377, MedGen C0004779, MONDO:0007187.
Hereditary cancer-predisposing syndrome. Also called: Tumor predisposition; Hereditary Cancer Syndrome; Hereditary neoplastic syndrome; Neoplastic Syndromes, Hereditary. Identifiers: Orphanet 140162, MedGen C0027672, MeSH D009386, MONDO:0015356.

gnomAD v4.1: 1 of 1,614,166 alleles (0.000062%); highest among the groups gnomAD compares: South Asian, 0.0011%; no homozygotes.

Submissions (2):

Ambry Genetics
Classification: Uncertain significance for Hereditary cancer-predisposing syndrome. Last evaluated: 2026-07-06. Review status: criteria provided, single submitter. Criteria: Ambry Variant Classification Scheme 2023. Collection method: clinical testing. Allele origin: germline.
Comment: The p.R375P variant (also known as c.1124G>C), located in coding exon 9 of the PTCH1 gene, results from a G to C substitution at nucleotide position 1124. The arginine at codon 375 is replaced by proline, an amino acid with dissimilar properties. This amino acid position is conserved. In addition, this alteration is predicted to be deleterious by in silico analysis. Based on the available evidence, the clinical significance of this variant remains unclear.

Labcorp Genetics (formerly Invitae), Labcorp
Classification: Uncertain significance for Gorlin syndrome. Last evaluated: 2020-07-31. Review status: criteria provided, single submitter. Criteria: Invitae Variant Classification Sherloc (09022015). Collection method: clinical testing. Allele origin: germline.
Comment: In summary, the available evidence is currently insufficient to determine the role of this variant in disease. Therefore, it has been classified as a Variant of Uncertain Significance. Advanced modeling of protein sequence and biophysical properties (such as structural, functional, and spatial information, amino acid conservation, physicochemical variation, residue mobility, and thermodynamic stability) performed at Invitae indicates that this missense variant is expected to disrupt PTCH1 protein function. This variant has not been reported in the literature in individuals with PTCH1-related conditions. This variant is not present in population databases (ExAC no frequency). This sequence change replaces arginine with proline at codon 441 of the PTCH1 protein (p.Arg441Pro). The arginine residue is moderately conserved and there is a moderate physicochemical difference between arginine and proline.

NM_000264.5(PTCH1):c.1322G>C (p.Arg441Pro)

Gene: PTCH1 (patched 1; minus strand). Cytogenetic location: 9q22.32.
Variant type: single nucleotide variant.
Coding change: c.1322G>C on transcript NM_000264.5 (MANE Select); coding-DNA position 1322, G replaced by C.
Protein change: p.Arg441Pro; replaces arginine 441 with proline.
Molecular consequence: missense variant. On other transcripts: non-coding transcript variant (1).
Genome position (GRCh38, 1-based): chr9:95,478,080, C>G on the plus strand (G>C on the coding strand, the complement: PTCH1 is on the minus strand). VCF-style: chr9-95478080-C-G. GRCh37 (hg19) VCF-style: chr9-98240362-C-G.
Other names: c.1124G>C, p.Arg375Pro (NM_001083602.3); c.1319G>C, p.Arg440Pro (NM_001083603.3); c.869G>C, p.Arg290Pro (NM_001083604.3, NM_001083605.3, NM_001083606.3 and 1 more transcripts); c.1322G>C, p.Arg441Pro (NM_001354918.2); c.1124G>C (NM_001083602.1); short protein forms R375P, R440P, R441P, R290P.
Identifiers: ClinVar variation 1038589 (VCV001038589.10), dbSNP rs767273237, ClinGen allele CA374118748.
Genomic context (GRCh38, chr9:95,478,080, plus strand): 5'-ACTCCAGCCCCCAGGAGCATGGCATCGAGCGTTACCATGAGTAAGTAGCCGCTGGCCACG[C>G]GGATGACACTGACGTCAGAGAAGGATTTCAGGATGTCGTCCAGGGTCGTGGTGGTGAAGG-3'
Protein context (NP_000255.2, residues 431-451): LKSFSDVSVI[Arg441Pro]VASGYLLMLA